The following is an entry in ClinVar:

ClinVar aggregate classification (germline): Uncertain significance. Review status: criteria provided, multiple submitters, no conflicts (2 of 4 stars). 2 submissions from 2 submitters: Uncertain significance (2). Last evaluated 2025-02-18.

Conditions:
Hereditary cancer-predisposing syndrome. Also called: Hereditary Cancer Syndrome; Neoplastic Syndromes, Hereditary; Tumor predisposition; Hereditary neoplastic syndrome. Identifiers: Orphanet 140162, MedGen C0027672, MeSH D009386, MONDO:0015356.

Allele frequency attached by ClinVar (database versions not stated): TOPMed below 0.00001.

Submissions (2):

Ambry Genetics
Classification: Uncertain significance for Hereditary cancer-predisposing syndrome. Last evaluated: 2025-02-18. Review status: criteria provided, single submitter. Criteria: Ambry Variant Classification Scheme 2023. Collection method: clinical testing. Allele origin: germline.
Comment: The c.-3A>G variant is located in the 5' untranslated region (5&rsquo; UTR) of the BMPR1A gene. This variant results from an A to G substitution 3 bases upstream from the first translated codon. This nucleotide position is highly conserved in available vertebrate species. Based on the available evidence, the clinical significance of this variant remains unclear.

Color Diagnostics, LLC DBA Color Health
Classification: Uncertain significance for Hereditary cancer-predisposing syndrome. Last evaluated: 2019-02-22. Review status: criteria provided, single submitter. Criteria: ACMG Guidelines, 2015. Collection method: clinical testing. Allele origin: germline.

NM_004329.3(BMPR1A):c.-3A>G

Gene: BMPR1A (bone morphogenetic protein receptor type 1A; plus strand). Cytogenetic location: 10q23.2.
Variant type: single nucleotide variant.
Coding change: c.-3A>G on transcript NM_004329.3 (MANE Select); 3 bases upstream of the start codon, A replaced by G.
Molecular consequence: 5 prime UTR variant.
Genome position (GRCh38, 1-based): chr10:86,876,016, A>G. VCF-style: chr10-86876016-A-G. GRCh37 (hg19) VCF-style: chr10-88635773-A-G.
Identifiers: ClinVar variation 489679 (VCV000489679.9), dbSNP rs1361969768, ClinGen allele CA658683659.